The following is an entry in ClinVar:

NM_080680.3(COL11A2):c.5145C>T (p.Phe1715=)

Gene: COL11A2 (collagen type XI alpha 2 chain; minus strand). Cytogenetic location: 6p21.32.
Variant type: single nucleotide variant.
Coding change: c.5145C>T on transcript NM_080680.3 (MANE Select); coding-DNA position 5145, C replaced by T.
Protein change: p.Phe1715=; no amino-acid change (phenylalanine 1715 retained).
Molecular consequence: synonymous variant.
Genome position (GRCh38, 1-based): chr6:33,163,744, G>A on the plus strand (C>T on the coding strand, the complement: COL11A2 is on the minus strand). VCF-style: chr6-33163744-G-A. GRCh37 (hg19) VCF-style: chr6-33131521-G-A.
Other names: c.4965C>T, p.Phe1655= (NM_001424108.1); c.4299C>T, p.Phe1433= (NM_001424109.1); c.4119C>T, p.Phe1373= (NM_001424110.1, NM_001424111.1); c.3099C>T, p.Phe1033= (NM_001424112.1); c.4824C>T, p.Phe1608= (NM_080679.3); c.4887C>T, p.Phe1629= (NM_080681.3); c.5145C>T (NM_080680.2).
Identifiers: ClinVar variation 2724957 (VCV002724957.4), dbSNP rs1459036159, ClinGen allele CA449866419.

ClinVar aggregate classification (germline): Conflicting classifications of pathogenicity. Review status: criteria provided, conflicting classifications (1 of 4 stars). 2 submissions from 2 submitters: Uncertain significance (1); Likely benign (1). Last evaluated 2025-03-16.

Allele frequency attached by ClinVar (database versions not stated): gnomAD exomes 0.00001.

Submissions (2):

GeneDx
Classification: Uncertain significance. Last evaluated: 2025-03-16. Review status: criteria provided, single submitter. Criteria: GeneDx Variant Classification Process June 2021. Collection method: clinical testing. Allele origin: germline. Affected: yes.
Comment: Not observed at significant frequency in large population cohorts (gnomAD); In silico analysis indicates that this variant does not alter splicing; Has not been previously published as pathogenic or benign to our knowledge

Labcorp Genetics (formerly Invitae), Labcorp
Classification: Likely benign. Last evaluated: 2024-11-11. Review status: criteria provided, single submitter. Criteria: Invitae Variant Classification Sherloc (09022015). Collection method: clinical testing. Allele origin: germline.